The following is an entry in ClinVar:

NM_172364.5(CACNA2D4):c.2047G>A (p.Gly683Ser)

Gene: CACNA2D4 (calcium voltage-gated channel auxiliary subunit alpha2delta 4; minus strand). Cytogenetic location: 12p13.33.
Variant type: single nucleotide variant.
Coding change: c.2047G>A on transcript NM_172364.5 (MANE Select); coding-DNA position 2047, G replaced by A.
Protein change: p.Gly683Ser; replaces glycine 683 with serine.
Molecular consequence: missense variant.
Genome position (GRCh38, 1-based): chr12:1,856,191, C>T on the plus strand (G>A on the coding strand, the complement: CACNA2D4 is on the minus strand). VCF-style: chr12-1856191-C-T. GRCh37 (hg19) VCF-style: chr12-1965357-C-T.
Other names: short protein forms G683S.
Identifiers: ClinVar variation 837613 (VCV000837613.9), dbSNP rs202195511, ClinGen allele CA6386873.

ClinVar aggregate classification (germline): Conflicting classifications of pathogenicity. Review status: criteria provided, conflicting classifications (1 of 4 stars). 3 submissions from 3 submitters: Uncertain significance (2); Likely benign (1). Last evaluated 2025-11-28.

Conditions:
Inborn genetic diseases. Identifiers: MedGen C0950123, MeSH D030342.

Allele frequency attached by ClinVar (database versions not stated): ExAC 0.00008; gnomAD exomes 0.00010; gnomAD 0.00011 and 0.00012; TOPMed 0.00012; ESP Exome Variant Server 0.00016; 1000 Genomes Project 30x 0.00031; 1000 Genomes Project 0.00040.
gnomAD v4.1: 157 of 1,614,010 alleles (0.0097%); highest among the groups gnomAD compares: Admixed American, 0.012%; no homozygotes.

Submissions (3):

Labcorp Genetics (formerly Invitae), Labcorp
Classification: Uncertain significance. Last evaluated: 2025-11-28. Review status: criteria provided, single submitter. Criteria: Invitae Variant Classification Sherloc (09022015). Collection method: clinical testing. Allele origin: germline.
Comment: This sequence change replaces glycine, which is neutral and non-polar, with serine, which is neutral and polar, at codon 683 of the CACNA2D4 protein (p.Gly683Ser). This variant is present in population databases (rs202195511, gnomAD 0.02%). This variant has not been reported in the literature in individuals affected with CACNA2D4-related conditions. ClinVar contains an entry for this variant (Variation ID: 837613). An algorithm developed to predict the effect of missense changes on protein structure and function outputs the following: PolyPhen-2: "Benign". The serine amino acid residue is found in multiple mammalian species, which suggests that this missense change does not adversely affect protein function. In summary, the available evidence is currently insufficient to determine the role of this variant in disease. Therefore, it has been classified as a Variant of Uncertain Significance.

Blueprint Genetics
Classification: Uncertain significance. Last evaluated: 2024-04-23. Review status: criteria provided, single submitter. Criteria: ACMG Guidelines, 2015. Collection method: clinical testing. Allele origin: germline.

Ambry Genetics
Classification: Likely benign for Inborn genetic diseases. Last evaluated: 2022-02-10. Review status: criteria provided, single submitter. Criteria: Ambry Variant Classification Scheme 2023. Collection method: clinical testing. Allele origin: germline.